The following is an entry in ClinVar:

ClinVar aggregate classification (germline): Uncertain significance (1 of 4 stars; one submission).

Allele frequency attached by ClinVar (database versions not stated): TOPMed below 0.00001; ExAC 0.00001.

Submission:

Ambry Genetics
Classification: Uncertain significance. Last evaluated: 2024-07-11. Review status: criteria provided, single submitter. Criteria: Ambry Variant Classification Scheme 2023. Collection method: clinical testing. Allele origin: germline.
Comment: The p.G1094V variant (also known as c.3281G>T), located in coding exon 4 of the ALPK2 gene, results from a G to T substitution at nucleotide position 3281. The glycine at codon 1094 is replaced by valine, an amino acid with dissimilar properties. This amino acid position is conserved. In addition, this alteration is predicted to be tolerated by in silico analysis. Since supporting evidence is limited at this time, the clinical significance of this alteration remains unclear.

NM_052947.4(ALPK2):c.3281G>T (p.Gly1094Val)

Gene: ALPK2 (alpha kinase 2; minus strand). Cytogenetic location: 18q21.31.
Variant type: single nucleotide variant.
Coding change: c.3281G>T on transcript NM_052947.4 (MANE Select); coding-DNA position 3281, G replaced by T.
Protein change: p.Gly1094Val; replaces glycine 1094 with valine.
Molecular consequence: missense variant.
Genome position (GRCh38, 1-based): chr18:58,536,906, C>A on the plus strand (G>T on the coding strand, the complement: ALPK2 is on the minus strand). VCF-style: chr18-58536906-C-A. GRCh37 (hg19) VCF-style: chr18-56204138-C-A.
Other names: short protein forms G1094V.
Identifiers: ClinVar variation 1729750 (VCV001729750.3), dbSNP rs771025793, ClinGen allele CA8976929.